The following is an entry in ClinVar:

NM_001035.3(RYR2):c.8298+171A>G

Gene: RYR2 (ryanodine receptor 2; plus strand). Cytogenetic location: 1q43.
Variant type: single nucleotide variant.
Coding change: c.8298+171A>G on transcript NM_001035.3 (MANE Select); 171 bases into the intron after coding-DNA position 8298, A replaced by G.
Molecular consequence: intron variant.
Genome position (GRCh38, 1-based): chr1:237,660,245, A>G. VCF-style: chr1-237660245-A-G. GRCh37 (hg19) VCF-style: chr1-237823545-A-G.
Identifiers: ClinVar variation 674302 (VCV000674302.1), dbSNP rs10925486, ClinGen allele CA10917681.

ClinVar aggregate classification (germline): Benign (1 of 4 stars; one submission).

Allele frequency attached by ClinVar (database versions not stated): 1000 Genomes Project 0.04034; 1000 Genomes Project 30x 0.04154; TOPMed 0.06004; gnomAD 0.06032 and 0.06341.
gnomAD v4.1: 8,997 of 149,734 alleles (6%); highest among the groups gnomAD compares: African/African-American, 9%; 328 homozygotes.

Submission:

GeneDx
Classification: Benign. Last evaluated: 2018-06-18. Review status: criteria provided, single submitter. Criteria: GeneDx Variant Classification (06012015). Collection method: clinical testing. Allele origin: germline. Affected: yes.
Comment: This variant is considered likely benign or benign based on one or more of the following criteria: it is a conservative change, it occurs at a poorly conserved position in the protein, it is predicted to be benign by multiple in silico algorithms, and/or has population frequency not consistent with disease.